The following is an entry in ClinVar:

NM_015338.6(ASXL1):c.718+10G>A

Gene: ASXL1 (ASXL transcriptional regulator 1; plus strand). Cytogenetic location: 20q11.21.
Variant type: single nucleotide variant.
Coding change: c.718+10G>A on transcript NM_015338.6 (MANE Select); 10 bases into the intron after coding-DNA position 718, G replaced by A.
Molecular consequence: intron variant.
Genome position (GRCh38, 1-based): chr20:32,430,063, G>A. VCF-style: chr20-32430063-G-A. GRCh37 (hg19) VCF-style: chr20-31017866-G-A.
Other names: c.718+10G>A (NM_015338.5); c.535+632G>A (NM_001363734.1).
Identifiers: ClinVar variation 1658571 (VCV001658571.9), dbSNP rs200819171, ClinGen allele CA9808170.

ClinVar aggregate classification (germline): Likely benign. Review status: criteria provided, multiple submitters, no conflicts (2 of 4 stars). 2 submissions from 2 submitters: Likely benign (2). Last evaluated 2026-02-16.

Conditions:
ASXL1-related disorder. Also called: ASXL1-related disorders; ASXL1-related condition.

Allele frequency attached by ClinVar (database versions not stated): gnomAD exomes 0.00003; TOPMed 0.00003; ExAC 0.00004; gnomAD 0.00004; 1000 Genomes Project 30x 0.00016; 1000 Genomes Project 0.00020.
gnomAD v4.1: 36 of 1,602,270 alleles (0.0022%); highest among the groups gnomAD compares: Admixed American, 0.0033%; no homozygotes.

Submissions (2):

PreventionGenetics, part of Exact Sciences
Classification: Likely benign for ASXL1-related condition. Last evaluated: 2026-02-16. Review status: criteria provided, single submitter. Criteria: ACMG Guidelines, 2015. Collection method: clinical testing. Allele origin: germline.
Comment: This variant is classified as likely benign based on ACMG/AMP sequence variant interpretation guidelines (Richards et al. 2015 PMID: 25741868, with internal and published modifications).

Labcorp Genetics (formerly Invitae), Labcorp
Classification: Likely benign. Last evaluated: 2025-11-05. Review status: criteria provided, single submitter. Criteria: Invitae Variant Classification Sherloc (09022015). Collection method: clinical testing. Allele origin: germline.